The following is an entry in ClinVar:

NM_000051.4(ATM):c.3577-4G>T

Gene: ATM (ATM serine/threonine kinase; plus strand). Cytogenetic location: 11q22.3.
Variant type: single nucleotide variant.
Coding change: c.3577-4G>T on transcript NM_000051.4 (MANE Select); 4 bases into the intron before coding-DNA position 3577, G replaced by T.
Molecular consequence: intron variant.
Genome position (GRCh38, 1-based): chr11:108,282,706, G>T. VCF-style: chr11-108282706-G-T. GRCh37 (hg19) VCF-style: chr11-108153433-G-T.
Other names: c.3577-4G>T (NM_001351834.2, NM_000051.3).
Identifiers: ClinVar variation 1148834 (VCV001148834.9), dbSNP rs2135686331, ClinGen allele CA2499220620.

ClinVar aggregate classification (germline): Likely benign. Review status: criteria provided, multiple submitters, no conflicts (2 of 4 stars). 3 submissions from 3 submitters: Likely benign (3). Last evaluated 2025-08-29.

Conditions:
Hereditary cancer-predisposing syndrome. Also called: Hereditary Cancer Syndrome; Hereditary neoplastic syndrome; Neoplastic Syndromes, Hereditary; Tumor predisposition. Identifiers: Orphanet 140162, MedGen C0027672, MeSH D009386, MONDO:0015356.
Ataxia-telangiectasia syndrome (AT). Also called: Ataxia-telangiectasia; Cerebello-oculocutaneous telangiectasia; Immunodeficiency with ataxia telangiectasia; Ataxia-telangiectasia, complementation group D; AT, COMPLEMENTATION GROUP C; Ataxia telangiectasia (A-T). Identifiers: Orphanet 100, MedGen C0004135, MONDO:0008840, OMIM 208900.
Familial cancer of breast. Also called: BREAST CANCER, FAMILIAL; Hereditary breast cancer; hereditary breast carcinoma. Identifiers: Orphanet 227535, MedGen C0346153, MONDO:0016419, OMIM 114480. Disease mechanism: loss of function.

Allele frequency attached by ClinVar (database versions not stated): gnomAD exomes below 0.00001.
gnomAD v4.1: 1 of 1,612,036 alleles (0.000062%); highest among the groups gnomAD compares: Non-Finnish European, 0.000085%; no homozygotes.

Submissions (3):

Ambry Genetics
Classification: Likely benign for Hereditary cancer-predisposing syndrome. Last evaluated: 2025-08-29. Review status: criteria provided, single submitter. Criteria: Ambry Variant Classification Scheme 2023. Collection method: clinical testing. Allele origin: germline.

Myriad Genetics, Inc.
Classification: Likely benign for Familial cancer of breast. Last evaluated: 2024-05-15. Review status: criteria provided, single submitter. Criteria: Myriad Autosomal Dominant, Autosomal Recessive and X-Linked Classification Criteria (2023). Collection method: clinical testing. Allele origin: unknown.
Comment: This variant is considered likely benign. This variant is intronic and is not expected to impact mRNA splicing.

Labcorp Genetics (formerly Invitae), Labcorp
Classification: Likely benign for Ataxia-telangiectasia syndrome. Last evaluated: 2021-10-09. Review status: criteria provided, single submitter. Criteria: Invitae Variant Classification Sherloc (09022015). Collection method: clinical testing. Allele origin: germline.